The following is an entry in ClinVar:

ClinVar aggregate classification (germline): Benign/Likely benign. Review status: criteria provided, multiple submitters, no conflicts (2 of 4 stars). 5 submissions from 5 submitters: Benign (1); Likely benign (4). Last evaluated 2026-01-20.

Conditions:
Cardiovascular phenotype. Identifiers: MedGen CN230736.
RASopathy. Also called: rasopathies; Noonan spectrum disorder. Identifiers: Orphanet 536391, MedGen C5555857, MONDO:0021060.

Allele frequency attached by ClinVar (database versions not stated): gnomAD exomes 0.00005 and 0.00010; ExAC 0.00011; gnomAD 0.00012 and 0.00013; ESP Exome Variant Server 0.00015; TOPMed 0.00017.
gnomAD v4.1: 98 of 1,613,980 alleles (0.0061%); highest among the groups gnomAD compares: Admixed American, 0.017%; no homozygotes.

Submissions (5):

Labcorp Genetics (formerly Invitae), Labcorp
Classification: Likely benign for RASopathy. Last evaluated: 2026-01-20. Review status: criteria provided, single submitter. Criteria: Invitae Variant Classification Sherloc (09022015). Collection method: clinical testing. Allele origin: germline.

Blueprint Genetics
Classification: Likely benign. Last evaluated: 2024-09-03. Review status: criteria provided, single submitter. Criteria: ACMG Guidelines, 2015. Collection method: clinical testing. Allele origin: germline.

Ambry Genetics
Classification: Likely benign for Cardiovascular phenotype. Last evaluated: 2022-08-08. Review status: criteria provided, single submitter. Criteria: Ambry Variant Classification Scheme 2023. Collection method: clinical testing. Allele origin: germline.

GeneDx
Classification: Benign. Last evaluated: 2014-08-28. Review status: criteria provided, single submitter. Criteria: GeneDx Variant Classification (06012015). Collection method: clinical testing. Allele origin: germline. Affected: yes.
Comment: This variant is considered likely benign or benign based on one or more of the following criteria: it is a conservative change, it occurs at a poorly conserved position in the protein, it is predicted to be benign by multiple in silico algorithms, and/or has population frequency not consistent with disease.

Laboratory for Molecular Medicine, Mass General Brigham Personalized Medicine
Classification: Likely benign. Last evaluated: 2014-02-04. Review status: criteria provided, single submitter. Criteria: LMM Criteria. Collection method: clinical testing. Allele origin: germline. Observed: 3 variant alleles.
Comment: Asn82Asn in exon 2 of MAP2K2: This variant is not expected to have clinical sign ificance because it does not alter an amino acid residue, it is not located with in the splice consensus sequence, and it has been identified in 2/8600 European American chromosomes from a large population study by the NHLBI Exome Sequencing Project (rs150942310).

NM_030662.4(MAP2K2):c.246C>T (p.Asn82=)

Gene: MAP2K2 (mitogen-activated protein kinase kinase 2; minus strand). Cytogenetic location: 19p13.3.
Variant type: single nucleotide variant.
Coding change: c.246C>T on transcript NM_030662.4 (MANE Select); coding-DNA position 246, C replaced by T.
Protein change: p.Asn82=; no amino-acid change (asparagine 82 retained).
Molecular consequence: synonymous variant.
Genome position (GRCh38, 1-based): chr19:4,117,476, G>A on the plus strand (C>T on the coding strand, the complement: MAP2K2 is on the minus strand). VCF-style: chr19-4117476-G-A. GRCh37 (hg19) VCF-style: chr19-4117474-G-A.
Other names: p.N82N:AAC>AAT.
Identifiers: ClinVar variation 46229 (VCV000046229.14), dbSNP rs150942310, ClinGen allele CA137919.